The following is an entry in ClinVar:

ClinVar aggregate classification (germline): Uncertain significance (1 of 4 stars; one submission).

Conditions:
Oligodontia-cancer predisposition syndrome. Also called: TOOTH AGENESIS-COLORECTAL CANCER SYNDROME. Identifiers: Orphanet 300576, MedGen C1837750, MONDO:0012075, OMIM 608615. Disease mechanism: loss of function.

Submission:

Labcorp Genetics (formerly Invitae), Labcorp
Classification: Uncertain significance for Oligodontia-cancer predisposition syndrome. Last evaluated: 2019-06-05. Review status: criteria provided, single submitter. Criteria: Invitae Variant Classification Sherloc (09022015). Collection method: clinical testing. Allele origin: germline.
Comment: In summary, the available evidence is currently insufficient to determine the role of this variant in disease. Therefore, it has been classified as a Variant of Uncertain Significance. Algorithms developed to predict the effect of missense changes on protein structure and function are either unavailable or do not agree on the potential impact of this missense change (SIFT: "Tolerated"; PolyPhen-2: "Possibly Damaging"; Align-GVGD: "Class C0"). This variant has not been reported in the literature in individuals with AXIN2-related conditions. This variant is not present in population databases (ExAC no frequency). This sequence change replaces glutamine with lysine at codon 720 of the AXIN2 protein (p.Gln720Lys). The glutamine residue is moderately conserved and there is a small physicochemical difference between glutamine and lysine.

NM_004655.4(AXIN2):c.2158C>A (p.Gln720Lys)

Gene: AXIN2 (axin 2; minus strand). Cytogenetic location: 17q24.1.
Variant type: single nucleotide variant.
Coding change: c.2158C>A on transcript NM_004655.4 (MANE Select); coding-DNA position 2158, C replaced by A.
Protein change: p.Gln720Lys; replaces glutamine 720 with lysine.
Molecular consequence: missense variant.
Genome position (GRCh38, 1-based): chr17:65,535,705, G>T on the plus strand (C>A on the coding strand, the complement: AXIN2 is on the minus strand). VCF-style: chr17-65535705-G-T. GRCh37 (hg19) VCF-style: chr17-63531823-G-T.
Other names: c.1963C>A, p.Gln655Lys (NM_001363813.1); short protein forms Q655K, Q720K.
Identifiers: ClinVar variation 945884 (VCV000945884.9), dbSNP rs2043900792, ClinGen allele CA400675854.